The following is an entry in ClinVar:

NM_012472.6(DNAAF11):c.873G>C (p.Leu291Phe)

Gene: DNAAF11 (dynein axonemal assembly factor 11; minus strand). Cytogenetic location: 8q24.22.
Variant type: single nucleotide variant.
Coding change: c.873G>C on transcript NM_012472.6 (MANE Select); coding-DNA position 873, G replaced by C.
Protein change: p.Leu291Phe; replaces leucine 291 with phenylalanine.
Molecular consequence: missense variant. On other transcripts: non-coding transcript variant (10).
Genome position (GRCh38, 1-based): chr8:132,622,652, C>G on the plus strand (G>C on the coding strand, the complement: DNAAF11 is on the minus strand). VCF-style: chr8-132622652-C-G. GRCh37 (hg19) VCF-style: chr8-133634898-C-G.
Other names: c.873G>C, p.Leu291Phe (NM_001321961.2); c.627G>C, p.Leu209Phe (NM_001321962.2); c.513G>C, p.Leu171Phe (NM_001321963.2, NM_001321964.2, NM_001321965.2 and 1 more transcripts); short protein forms L209F, L171F, L291F.
Identifiers: ClinVar variation 2172398 (VCV002172398.3), dbSNP rs757257028, ClinGen allele CA4881285.

ClinVar aggregate classification (germline): Uncertain significance (1 of 4 stars; one submission).

Conditions:
Primary ciliary dyskinesia 19. Also called: CILIARY DYSKINESIA, PRIMARY, 19, WITH OR WITHOUT SITUS INVERSUS. Identifiers: Orphanet 244, MedGen C3543826, MONDO:0013979, OMIM 614935.

Allele frequency attached by ClinVar (database versions not stated): gnomAD 0.00001; ExAC 0.00002; TOPMed 0.00002.
gnomAD v4.1: 2 of 1,613,618 alleles (0.00012%); highest among the groups gnomAD compares: African/African-American, 0.0027%; no homozygotes.

Submission:

Labcorp Genetics (formerly Invitae), Labcorp
Classification: Uncertain significance for Primary ciliary dyskinesia 19. Last evaluated: 2022-02-02. Review status: criteria provided, single submitter. Criteria: Invitae Variant Classification Sherloc (09022015). Collection method: clinical testing. Allele origin: germline.
Comment: This sequence change replaces leucine, which is neutral and non-polar, with phenylalanine, which is neutral and non-polar, at codon 291 of the LRRC6 protein (p.Leu291Phe). This variant is present in population databases (rs757257028, gnomAD 0.01%). This variant has not been reported in the literature in individuals affected with LRRC6-related conditions. Algorithms developed to predict the effect of missense changes on protein structure and function are either unavailable or do not agree on the potential impact of this missense change (SIFT: "Deleterious"; PolyPhen-2: "Benign"; Align-GVGD: "Class C15"). In summary, the available evidence is currently insufficient to determine the role of this variant in disease. Therefore, it has been classified as a Variant of Uncertain Significance.